The following is an entry in ClinVar:

NM_000532.5(PCCB):c.769G>A (p.Ala257Thr)

Gene: PCCB (propionyl-CoA carboxylase subunit beta; plus strand). Cytogenetic location: 3q22.3.
Variant type: single nucleotide variant.
Coding change: c.769G>A on transcript NM_000532.5 (MANE Select); coding-DNA position 769, G replaced by A.
Protein change: p.Ala257Thr; replaces alanine 257 with threonine.
Molecular consequence: missense variant.
Genome position (GRCh38, 1-based): chr3:136,297,957, G>A. VCF-style: chr3-136297957-G-A. GRCh37 (hg19) VCF-style: chr3-136016799-G-A.
Other names: c.829G>A, p.Ala277Thr (NM_001178014.2); c.769G>A (NM_000532.4); short protein forms A257T, A277T.
Identifiers: ClinVar variation 931253 (VCV000931253.6), dbSNP rs1197317905, ClinGen allele CA354644372.
Genomic context (GRCh38, chr3:136,297,957, plus strand): 5'-AACTTTGGGCTGGCTGGTACCCTGACTCAATCATATATGCTCCCTGTTCTCTTAGGTGTG[G>A]CCCACAGAGCTTTTGAAAATGATGTTGATGCCTTGTGTAATCTCCGGGATTTCTTCAACT-3'
Protein context (NP_000523.2, residues 247-267): AKTHTTMSGV[Ala257Thr]HRAFENDVDA

ClinVar aggregate classification (germline): Uncertain significance. Review status: criteria provided, multiple submitters, no conflicts (2 of 4 stars). 3 submissions from 3 submitters: Uncertain significance (3). Last evaluated 2025-08-14.

Conditions:
Inborn genetic diseases. Identifiers: MedGen C0950123, MeSH D030342.
Propionic acidemia (PROP). Also called: GLYCINEMIA, KETOTIC; HYPERGLYCINEMIA WITH KETOACIDOSIS AND LEUKOPENIA; KETOTIC HYPERGLYCINEMIA. Identifiers: Orphanet 35, MedGen C0268579, MONDO:0011628, OMIM 606054, HP:0003571.

Allele frequency attached by ClinVar (database versions not stated): gnomAD exomes below 0.00001.

Submissions (3):

Ambry Genetics
Classification: Uncertain significance for Inborn genetic diseases. Last evaluated: 2025-08-14. Review status: criteria provided, single submitter. Criteria: Ambry Variant Classification Scheme 2023. Collection method: clinical testing. Allele origin: germline.

Labcorp Genetics (formerly Invitae), Labcorp
Classification: Uncertain significance for Propionic acidemia. Last evaluated: 2022-08-05. Review status: criteria provided, single submitter. Criteria: Invitae Variant Classification Sherloc (09022015). Collection method: clinical testing. Allele origin: germline.
Comment: This sequence change replaces alanine, which is neutral and non-polar, with threonine, which is neutral and polar, at codon 257 of the PCCB protein (p.Ala257Thr). This variant is present in population databases (no rsID available, gnomAD 0.0009%). This variant has not been reported in the literature in individuals affected with PCCB-related conditions. ClinVar contains an entry for this variant (Variation ID: 931253). Algorithms developed to predict the effect of missense changes on protein structure and function (SIFT, PolyPhen-2, Align-GVGD) all suggest that this variant is likely to be disruptive. In summary, the available evidence is currently insufficient to determine the role of this variant in disease. Therefore, it has been classified as a Variant of Uncertain Significance.

Centre for Mendelian Genomics, University Medical Centre Ljubljana
Classification: Uncertain significance for Propionic acidemia. Last evaluated: 2018-10-12. Review status: criteria provided, single submitter. Criteria: ACMG Guidelines, 2015. Collection method: clinical testing. Allele origin: unknown. Affected: yes.
Comment: This variant was classified as: Uncertain significance. The available evidence on this variant's pathogenicity is insufficient or conflicting. The following ACMG criteria were applied in classifying this variant: PM2,PP3.